The following is an entry in ClinVar:

NM_197968.4(ZMYM2):c.46C>A (p.Pro16Thr)

Gene: ZMYM2 (zinc finger MYM-type containing 2; plus strand). Cytogenetic location: 13q12.11.
Variant type: single nucleotide variant.
Coding change: c.46C>A on transcript NM_197968.4 (MANE Select); coding-DNA position 46, C replaced by A.
Protein change: p.Pro16Thr; replaces proline 16 with threonine.
Molecular consequence: missense variant. On other transcripts: non-coding transcript variant (1).
Genome position (GRCh38, 1-based): chr13:19,993,118, C>A. VCF-style: chr13-19993118-C-A. GRCh37 (hg19) VCF-style: chr13-20567258-C-A.
Other names: c.46C>A, p.Pro16Thr (NM_001190964.4, NM_001190965.4, NM_001353157.2 and 6 more transcripts); c.112C>A, p.Pro38Thr (NM_001353161.3); short protein forms P16T, P38T.
Identifiers: ClinVar variation 2636847 (VCV002636847.1), dbSNP rs1407007029, ClinGen allele CA387665728.

ClinVar aggregate classification (germline): Uncertain significance (1 of 4 stars; one submission).

Conditions:
ZMYM2-related disorder. Also called: ZMYM2-related condition.

Allele frequency attached by ClinVar (database versions not stated): gnomAD 0.00001; TOPMed 0.00001; gnomAD exomes 0.00003.
gnomAD v4.1: 47 of 1,613,746 alleles (0.0029%); highest among the groups gnomAD compares: Non-Finnish European, 0.004%; no homozygotes.

Submission:

PreventionGenetics, part of Exact Sciences
Classification: Uncertain significance for ZMYM2-related condition. Last evaluated: 2023-06-02. Review status: criteria provided, single submitter. Criteria: ACMG Guidelines, 2015. Collection method: clinical testing. Allele origin: germline.
Comment: The ZMYM2 c.46C>A variant is predicted to result in the amino acid substitution p.Pro16Thr. To our knowledge, this variant has not been reported in the literature. This variant is reported in 0.0065% of alleles in individuals of European (Non-Finnish) descent in gnomAD. At this time, the clinical significance of this variant is uncertain due to the absence of conclusive functional and genetic evidence.